The following is an entry in ClinVar:

ClinVar aggregate classification (germline): Uncertain significance (1 of 4 stars; one submission).

Conditions:
Pitt-Hopkins syndrome (PTHS). Also called: ENCEPHALOPATHY, SEVERE EPILEPTIC, WITH AUTONOMIC DYSFUNCTION; MENTAL RETARDATION, SYNDROMAL, WITH INTERMITTENT HYPERVENTILATION. Identifiers: Orphanet 2896, MedGen C1970431, MONDO:0012589, OMIM 610954.

Allele frequency attached by ClinVar (database versions not stated): gnomAD exomes below 0.00001.
gnomAD v4.1: 1 of 1,613,914 alleles (0.000062%); highest among the groups gnomAD compares: South Asian, 0.0011%; no homozygotes.

Submission:

Labcorp Genetics (formerly Invitae), Labcorp
Classification: Uncertain significance for Pitt-Hopkins syndrome. Last evaluated: 2023-01-07. Review status: criteria provided, single submitter. Criteria: Invitae Variant Classification Sherloc (09022015). Collection method: clinical testing. Allele origin: germline.
Comment: In summary, the available evidence is currently insufficient to determine the role of this variant in disease. Therefore, it has been classified as a Variant of Uncertain Significance. Advanced modeling of protein sequence and biophysical properties (such as structural, functional, and spatial information, amino acid conservation, physicochemical variation, residue mobility, and thermodynamic stability) performed at Invitae indicates that this missense variant is not expected to disrupt TCF4 protein function. This variant has not been reported in the literature in individuals affected with TCF4-related conditions. This variant is present in population databases (no rsID available, gnomAD 0.003%). This sequence change replaces proline, which is neutral and non-polar, with serine, which is neutral and polar, at codon 212 of the TCF4 protein (p.Pro212Ser).

NM_001083962.2(TCF4):c.634C>T (p.Pro212Ser)

Gene: TCF4 (transcription factor 4; minus strand). Cytogenetic location: 18q21.2.
Variant type: single nucleotide variant.
Coding change: c.634C>T on transcript NM_001083962.2 (MANE Select); coding-DNA position 634, C replaced by T.
Protein change: p.Pro212Ser; replaces proline 212 with serine.
Molecular consequence: missense variant. On other transcripts: 5 prime UTR variant (1).
Genome position (GRCh38, 1-based): chr18:55,279,572, G>A on the plus strand (C>T on the coding strand, the complement: TCF4 is on the minus strand). VCF-style: chr18-55279572-G-A. GRCh37 (hg19) VCF-style: chr18-52946803-G-A.
Other names: c.940C>T, p.Pro314Ser (NM_001243226.3); c.421C>T, p.Pro141Ser (NM_001306208.1, NM_001243232.1); c.634C>T, p.Pro212Ser (NM_001330604.3, NM_001369567.1, NM_001369568.1 and 4 more transcripts); c.244C>T, p.Pro82Ser (NM_001330605.3, NM_001348212.2, NM_001348213.2 and 1 more transcripts); c.508C>T, p.Pro170Ser (NM_001348211.2, NM_001243231.2); c.154C>T, p.Pro52Ser (NM_001348214.2, NM_001348216.2, NM_001243234.2 and 2 more transcripts); c.-15C>T (NM_001348215.2); c.562C>T, p.Pro188Ser (NM_001348217.1, NM_001348218.2, NM_001348219.2 and 9 more transcripts); and 4 more; short protein forms P170S, P188S, P210S, P314S, P141S, P187S, P52S, P218S.
Identifiers: ClinVar variation 2005435 (VCV002005435.4), dbSNP rs1433071956, ClinGen allele CA402701757.